The following is an entry in ClinVar:

NM_000458.4(HNF1B):c.1467G>C (p.Gln489His)

Gene: HNF1B (HNF1 homeobox B; minus strand). Cytogenetic location: 17q12.
Variant type: single nucleotide variant.
Coding change: c.1467G>C on transcript NM_000458.4 (MANE Select); coding-DNA position 1467, G replaced by C.
Protein change: p.Gln489His; replaces glutamine 489 with histidine.
Molecular consequence: missense variant. On other transcripts: intron variant (1).
Genome position (GRCh38, 1-based): chr17:37,701,050, C>G on the plus strand (G>C on the coding strand, the complement: HNF1B is on the minus strand). VCF-style: chr17-37701050-C-G. GRCh37 (hg19) VCF-style: chr17-36061055-C-G.
Other names: c.1389G>C, p.Gln463His (NM_001165923.4); c.1467G>C, p.Gln489His (NM_001411100.1); c.1261+3867G>C (NM_001304286.2); short protein forms Q463H, Q489H.
Identifiers: ClinVar variation 3381529 (VCV003381529.1).

ClinVar aggregate classification (germline): Uncertain significance (1 of 4 stars; one submission).

Submission:

GeneDx
Classification: Uncertain significance. Last evaluated: 2024-05-20. Review status: criteria provided, single submitter. Criteria: GeneDx Variant Classification Process June 2021. Collection method: clinical testing. Allele origin: germline. Affected: yes.
Comment: Not observed at significant frequency in large population cohorts (gnomAD); In silico analysis supports that this missense variant has a deleterious effect on protein structure/function; Has not been previously published as pathogenic or benign to our knowledge